The following is an entry in ClinVar:

ClinVar aggregate classification (germline): Uncertain significance (1 of 4 stars; one submission).

Conditions:
Peroxisome biogenesis disorder. Identifiers: Orphanet 79189, MedGen C1832200, MONDO:0019234. Disease mechanism: loss of function.

Allele frequency attached by ClinVar (database versions not stated): gnomAD 0.00001.
gnomAD v4.1: 1 of 1,609,780 alleles (0.000062%); highest among the groups gnomAD compares: Admixed American, 0.0017%; no homozygotes.

Submission:

Labcorp Genetics (formerly Invitae), Labcorp
Classification: Uncertain significance for Peroxisome biogenesis disorder. Last evaluated: 2021-11-11. Review status: criteria provided, single submitter. Criteria: Invitae Variant Classification Sherloc (09022015). Collection method: clinical testing. Allele origin: germline.
Comment: This sequence change replaces proline, which is neutral and non-polar, with leucine, which is neutral and non-polar, at codon 245 of the PEX16 protein (p.Pro245Leu). This variant is present in population databases (no rsID available, gnomAD 0.003%). This variant has not been reported in the literature in individuals affected with PEX16-related conditions. Algorithms developed to predict the effect of missense changes on protein structure and function are either unavailable or do not agree on the potential impact of this missense change (SIFT: "Deleterious"; PolyPhen-2: "Probably Damaging"; Align-GVGD: "Class C0"). In summary, the available evidence is currently insufficient to determine the role of this variant in disease. Therefore, it has been classified as a Variant of Uncertain Significance.

NM_004813.4(PEX16):c.734C>T (p.Pro245Leu)

Gene: PEX16 (peroxisomal biogenesis factor 16; minus strand). Cytogenetic location: 11p11.2.
Variant type: single nucleotide variant.
Coding change: c.734C>T on transcript NM_004813.4 (MANE Select); coding-DNA position 734, C replaced by T.
Protein change: p.Pro245Leu; replaces proline 245 with leucine.
Molecular consequence: missense variant.
Genome position (GRCh38, 1-based): chr11:45,914,164, G>A on the plus strand (C>T on the coding strand, the complement: PEX16 is on the minus strand). VCF-style: chr11-45914164-G-A. GRCh37 (hg19) VCF-style: chr11-45935715-G-A.
Other names: c.734C>T, p.Pro245Leu (NM_057174.3); short protein forms P245L.
Identifiers: ClinVar variation 1392535 (VCV001392535.6), dbSNP rs1364730132, ClinGen allele CA380226718.